The following is an entry in ClinVar:

ClinVar aggregate classification (germline): Uncertain significance (1 of 4 stars; one submission).

Conditions:
Neuropathy, hereditary sensory, type 2C. Also called: Hereditary sensory and autonomic neuropathy type IIC; KIF1A-Related HSAN2 (HSAN2C). Identifiers: Orphanet 970, MedGen C3280168, MONDO:0013634, OMIM 614213.
Intellectual disability, autosomal dominant 9 (NESCAVS). Also called: NESCAV SYNDROME; KIF1A-Related Neurodevelopmental Disorder. Identifiers: Orphanet 662367, MedGen C5393830, MONDO:0013656, OMIM 614255.
Hereditary spastic paraplegia 30. Identifiers: Orphanet 101010, MedGen C5235139, MONDO:0012476.

Submission:

Labcorp Genetics (formerly Invitae), Labcorp
Classification: Uncertain significance for Hereditary spastic paraplegia 30; Neuropathy, hereditary sensory, type 2C; Intellectual disability, autosomal dominant 9. Last evaluated: 2022-02-02. Review status: criteria provided, single submitter. Criteria: Invitae Variant Classification Sherloc (09022015). Collection method: clinical testing. Allele origin: germline.
Comment: In summary, the available evidence is currently insufficient to determine the role of this variant in disease. Therefore, it has been classified as a Variant of Uncertain Significance. Advanced modeling of protein sequence and biophysical properties (such as structural, functional, and spatial information, amino acid conservation, physicochemical variation, residue mobility, and thermodynamic stability) performed at Invitae indicates that this missense variant is expected to disrupt KIF1A protein function. This variant has not been reported in the literature in individuals affected with KIF1A-related conditions. This variant is not present in population databases (gnomAD no frequency). This sequence change replaces asparagine, which is neutral and polar, with lysine, which is basic and polar, at codon 211 of the KIF1A protein (p.Asn211Lys).

NM_001244008.2(KIF1A):c.633T>G (p.Asn211Lys)

Gene: KIF1A (kinesin family member 1A; minus strand). Cytogenetic location: 2q37.3.
Variant type: single nucleotide variant.
Coding change: c.633T>G on transcript NM_001244008.2 (MANE Select); coding-DNA position 633, T replaced by G.
Protein change: p.Asn211Lys; replaces asparagine 211 with lysine.
Molecular consequence: missense variant.
Genome position (GRCh38, 1-based): chr2:240,785,076, A>C on the plus strand (T>G on the coding strand, the complement: KIF1A is on the minus strand). VCF-style: chr2-240785076-A-C. GRCh37 (hg19) VCF-style: chr2-241724493-A-C.
Other names: c.633T>G, p.Asn211Lys (NM_001320705.2, NM_001330289.2, NM_001330290.2 and 21 more transcripts); short protein forms N211K.
Identifiers: ClinVar variation 2087068 (VCV002087068.4), dbSNP rs2054552679, ClinGen allele CA351304881.